The following is an entry in ClinVar:

NM_001171613.2(PREPL):c.-49+1830C>T

Gene: PREPL (prolyl endopeptidase like; minus strand). Cytogenetic location: 2p21.
Variant type: single nucleotide variant.
Coding change: c.-49+1830C>T on transcript NM_001171613.2 (MANE Select); 1830 bases into the intron after 49 bases upstream of the start codon, C replaced by T.
Molecular consequence: intron variant. On other transcripts: missense variant (7).
Genome position (GRCh38, 1-based): chr2:44,359,550, G>A on the plus strand (C>T on the coding strand, the complement: PREPL is on the minus strand). VCF-style: chr2-44359550-G-A. GRCh37 (hg19) VCF-style: chr2-44586689-G-A.
Other names: c.166C>T, p.Pro56Ser (NM_001042385.2, NM_001042386.2, NM_001171603.1 and 4 more transcripts); c.-49+1974C>T (NM_001171617.1); c.-49+1867C>T (NM_001374277.1); short protein forms P56S.
Identifiers: ClinVar variation 2107845 (VCV002107845.4), dbSNP rs762603866, ClinGen allele CA1641730.
Genomic context (GRCh38, chr2:44,359,550, plus strand): 5'-TCCATACCTTACATGAGAAGCTCCGACTTGGGATGTTTCTTGCTAACTCTGATATCTTGG[G>A]TTTATTCTGAAGACACTTGGTTAGGTGATATTTTTTCAATTTTATTCTATTGTAACAATG-3'

ClinVar aggregate classification (germline): Uncertain significance (1 of 4 stars; one submission).

Conditions:
Myasthenic syndrome, congenital, 22 (CMS22). Also called: PREPL DEFICIENCY. Identifiers: MedGen C4479088, MONDO:0044299, OMIM 616224.

Allele frequency attached by ClinVar (database versions not stated): ExAC 0.00001.
gnomAD v4.1: 1 of 1,613,438 alleles (0.000062%); highest among the groups gnomAD compares: Admixed American, 0.0017%; no homozygotes.

Submission:

Labcorp Genetics (formerly Invitae), Labcorp
Classification: Uncertain significance for Myasthenic syndrome, congenital, 22. Last evaluated: 2024-02-24. Review status: criteria provided, single submitter. Criteria: Invitae Variant Classification Sherloc (09022015). Collection method: clinical testing. Allele origin: germline.
Comment: This sequence change replaces proline, which is neutral and non-polar, with serine, which is neutral and polar, at codon 56 of the PREPL protein (p.Pro56Ser). This variant is present in population databases (rs762603866, gnomAD 0.003%). This variant has not been reported in the literature in individuals affected with PREPL-related conditions. ClinVar contains an entry for this variant (Variation ID: 2107845). Algorithms developed to predict the effect of missense changes on protein structure and function output the following: SIFT: "Not Available"; PolyPhen-2: "Benign"; Align-GVGD: "Not Available". The serine amino acid residue is found in multiple mammalian species, which suggests that this missense change does not adversely affect protein function. In summary, the available evidence is currently insufficient to determine the role of this variant in disease. Therefore, it has been classified as a Variant of Uncertain Significance.